The following is an entry in ClinVar:

NM_014915.3(ANKRD26):c.2698A>T (p.Asn900Tyr)

Gene: ANKRD26 (ankyrin repeat domain 26; minus strand). Cytogenetic location: 10p12.1.
Variant type: single nucleotide variant.
Coding change: c.2698A>T on transcript NM_014915.3 (MANE Select); coding-DNA position 2698, A replaced by T.
Protein change: p.Asn900Tyr; replaces asparagine 900 with tyrosine.
Molecular consequence: missense variant.
Genome position (GRCh38, 1-based): chr10:27,035,752, T>A on the plus strand (A>T on the coding strand, the complement: ANKRD26 is on the minus strand). VCF-style: chr10-27035752-T-A. GRCh37 (hg19) VCF-style: chr10-27324681-T-A.
Other names: c.2695A>T, p.Asn899Tyr (NM_001256053.2); short protein forms N900Y, N899Y.
Identifiers: ClinVar variation 4826435 (VCV004826435.1).

ClinVar aggregate classification (germline): Uncertain significance (1 of 4 stars; one submission).

Conditions:
Inborn genetic diseases. Identifiers: MedGen C0950123, MeSH D030342.

Submission:

Ambry Genetics
Classification: Uncertain significance for Inborn genetic diseases. Last evaluated: 2026-03-13. Review status: criteria provided, single submitter. Criteria: Ambry Variant Classification Scheme 2023. Collection method: clinical testing. Allele origin: germline.
Comment: The p.N900Y variant (also known as c.2698A>T) is located in coding exon 24 of the ANKRD26 gene. The asparagine at codon 900 is replaced by tyrosine, an amino acid with dissimilar properties. This change occurs in the first base pair of coding exon 24. This amino acid position is conserved. In addition, this alteration is predicted to be tolerated by in silico analysis. Based on the available evidence, the clinical significance of this variant remains unclear.